The following is an entry in ClinVar:

ClinVar aggregate classification (germline): Conflicting classifications of pathogenicity. Review status: criteria provided, conflicting classifications (1 of 4 stars). 7 submissions from 7 submitters: Uncertain significance (1); Likely benign (4). 2 of the submissions do not count toward it. Last evaluated 2025-11-03.

Conditions:
Cardiovascular phenotype. Identifiers: MedGen CN230736.
Dilated cardiomyopathy 1JJ (CMD1JJ). Identifiers: Orphanet 154, MedGen C3808935, MONDO:0014095, OMIM 615235.

Allele frequency attached by ClinVar (database versions not stated): TOPMed 0.00005; gnomAD 0.00006 and 0.00007; gnomAD exomes 0.00006 and 0.00008; ExAC 0.00007; ESP Exome Variant Server 0.00015; 1000 Genomes Project 30x 0.00016; 1000 Genomes Project 0.00020.
gnomAD v4.1: 95 of 1,614,100 alleles (0.0059%); highest among the groups gnomAD compares: Middle Eastern, 0.033%; no homozygotes.

Submissions (7):

Women's Health and Genetics/Laboratory Corporation of America, LabCorp
Classification: Likely benign. Last evaluated: 2025-11-03. Review status: criteria provided, single submitter. Criteria: LabCorp Variant Classification Summary - May 2015. Collection method: clinical testing. Allele origin: germline.
Comment: Variant summary: LAMA4 c.2569G>A (p.Ala857Thr) results in a non-conservative amino acid change in the encoded protein sequence. Algorithms developed to predict the effect of missense changes on protein structure and function are either unavailable or do not agree on the potential impact of this missense change. The variant allele was found at a frequency of 7.6e-05 in 251368 control chromosomes. The observed variant frequency exceeds the estimated maximal expected allele frequency for disease-causing variants in LAMA4. To our knowledge, no occurrence of c.2569G>A in individuals affected with LAMA4-related conditions and no experimental evidence demonstrating its impact on protein function have been reported. ClinVar contains an entry for this variant (Variation ID: 178053). Based on the evidence outlined above, the variant was classified as likely benign.

Labcorp Genetics (formerly Invitae), Labcorp
Classification: Uncertain significance for Dilated cardiomyopathy 1JJ. Last evaluated: 2025-07-03. Review status: criteria provided, single submitter. Criteria: Invitae Variant Classification Sherloc (09022015). Collection method: clinical testing. Allele origin: germline.
Comment: This sequence change replaces alanine, which is neutral and non-polar, with threonine, which is neutral and polar, at codon 850 of the LAMA4 protein (p.Ala850Thr). This variant is present in population databases (rs144123257, gnomAD 0.01%). This variant has not been reported in the literature in individuals affected with LAMA4-related conditions. ClinVar contains an entry for this variant (Variation ID: 178053). Invitae Evidence Modeling of protein sequence and biophysical properties (such as structural, functional, and spatial information, amino acid conservation, physicochemical variation, residue mobility, and thermodynamic stability) indicates that this missense variant is not expected to disrupt LAMA4 protein function with a negative predictive value of 80%. In summary, the available evidence is currently insufficient to determine the role of this variant in disease. Therefore, it has been classified as a Variant of Uncertain Significance.

Ambry Genetics
Classification: Likely benign for Cardiovascular phenotype. Last evaluated: 2019-08-14. Review status: criteria provided, single submitter. Criteria: Ambry Variant Classification Scheme 2023. Collection method: clinical testing. Allele origin: germline.

Clinical Genetics DNA and cytogenetics Diagnostics Lab, Erasmus MC, Erasmus Medical Center
Classification: Likely benign for Dilated cardiomyopathy 1JJ. Last evaluated: 2017-05-31. Review status: criteria provided, single submitter. Criteria: ACGS Guidelines, 2013. Collection method: clinical testing. Allele origin: germline. Affected: yes. Study: VKGL Data-share Consensus.

Laboratory for Molecular Medicine, Mass General Brigham Personalized Medicine
Classification: Likely benign. Last evaluated: 2014-02-07. Review status: criteria provided, single submitter. Criteria: LMM Criteria. Collection method: clinical testing. Allele origin: germline. Observed: 1 variant allele.
Comment: Ala850Thr in exon 20 of LAMA4: This variant has been identified in 2/8600 Europe an American chromosomes by the NHLBI Exome Sequencing Project (dbSNP rs144123257). This variant is not expected to have cli nical significance due to a lack of conservation across species, including mamma ls. Of note, 27 species have a threonine (Thr) at this position despite high nea rby amino acid conservation. Ala850Thr in exon 20 of LAMA4 (rs144123257; allel e frequency = 2/8600) **

Clinical Genetics, Academic Medical Center
Classification: Likely benign. Review status: no assertion criteria provided. Collection method: clinical testing. Allele origin: germline. Affected: yes. Study: VKGL Data-share Consensus. Not counted in ClinVar's aggregate classification.

Diagnostic Laboratory, Department of Genetics, University Medical Center Groningen
Classification: Likely benign for Dilated cardiomyopathy 1JJ. Review status: no assertion criteria provided. Collection method: clinical testing. Allele origin: germline. Affected: yes. Study: VKGL Data-share Consensus. Not counted in ClinVar's aggregate classification.

NM_001105206.3(LAMA4):c.2569G>A (p.Ala857Thr)

Gene: LAMA4 (laminin subunit alpha 4; minus strand). Cytogenetic location: 6q21.
Variant type: single nucleotide variant.
Coding change: c.2569G>A on transcript NM_001105206.3 (MANE Select); coding-DNA position 2569, G replaced by A.
Protein change: p.Ala857Thr; replaces alanine 857 with threonine.
Molecular consequence: missense variant.
Genome position (GRCh38, 1-based): chr6:112,142,217, C>T on the plus strand (G>A on the coding strand, the complement: LAMA4 is on the minus strand). VCF-style: chr6-112142217-C-T. GRCh37 (hg19) VCF-style: chr6-112463419-C-T.
Other names: c.2548G>A, p.Ala850Thr (NM_001105207.3, NM_002290.5); short protein forms A850T, A857T.
Identifiers: ClinVar variation 178053 (VCV000178053.18), dbSNP rs144123257, ClinGen allele CA181285.